The following is an entry in ClinVar:

NM_178354.3(LCE1F):c.225T>C (p.Cys75=)

Gene: LCE1F (late cornified envelope 1F; plus strand). Cytogenetic location: 1q21.3.
Variant type: single nucleotide variant.
Coding change: c.225T>C on transcript NM_178354.3 (MANE Select); coding-DNA position 225, T replaced by C.
Protein change: p.Cys75=; no amino-acid change (cysteine 75 retained).
Molecular consequence: synonymous variant.
Genome position (GRCh38, 1-based): chr1:152,776,596, T>C. VCF-style: chr1-152776596-T-C. GRCh37 (hg19) VCF-style: chr1-152749072-T-C.
Identifiers: ClinVar variation 2639338 (VCV002639338.24), dbSNP rs201433041, ClinGen allele CA1111695.

ClinVar aggregate classification (germline): Likely benign (1 of 4 stars; one submission).

Allele frequency attached by ClinVar (database versions not stated): ExAC 0.00001; gnomAD exomes 0.00002; TOPMed 0.00009; gnomAD 0.00013.

Submission:

CeGaT Center for Human Genetics Tuebingen
Classification: Likely benign. Last evaluated: 2023-08-01. Review status: criteria provided, single submitter. Criteria: CeGaT Center For Human Genetics Tuebingen Variant Classification Criteria Version 2. Collection method: clinical testing. Allele origin: germline. Affected: yes. Observed: 1 variant allele.
Comment: LCE1F: BP4, BP7